The following is an entry in ClinVar:

ClinVar aggregate classification (germline): Pathogenic (1 of 4 stars; one submission).

Conditions:
TH-deficient dopa-responsive dystonia. Also called: Segawa syndrome, autosomal recessive; Tyrosine Hydroxylase-Deficient Dopa-Responsive Dystonia; DYT-TH. Identifiers: Orphanet 101150, MedGen C2673535, MONDO:0011551, OMIM 605407.

Submission:

Myriad Genetics, Inc.
Classification: Pathogenic for TH-deficient dopa-responsive dystonia. Last evaluated: 2024-03-20. Review status: criteria provided, single submitter. Criteria: Myriad Autosomal Dominant, Autosomal Recessive and X-Linked Classification Criteria (2023). Collection method: clinical testing. Allele origin: unknown.
Comment: NM_199292.2(TH):c.968delG(G323Afs*94) is expected to be pathogenic in the context of tyrosine hydroxylase deficiency. This variant is predicted to lead to an abnormal or absent protein product due to the creation of a premature termination codon in TH, a gene where loss-of-function variants are known to be pathogenic. Please note: this variant was assessed in the context of healthy population screening.

NM_000360.4(TH):c.875del (p.Gly292fs)

Gene: TH (tyrosine hydroxylase; minus strand). Cytogenetic location: 11p15.5.
Variant type: Deletion.
Coding change: c.875del on transcript NM_000360.4 (MANE Select); coding-DNA position 875, one base deleted (G; older notation c.875delG).
Protein change: p.Gly292fs; shifts the reading frame from glycine 292.
Molecular consequence: frameshift variant. On other transcripts: intron variant (2).
Genome position (GRCh38, 1-based): chr11:2,166,735, C deleted on the plus strand (G on the coding strand, the reverse complement: TH is on the minus strand); the first of 2 consecutive C bases (chr11:2,166,735-2,166,736); deleting either gives the same sequence. VCF-style (leftmost placement, unchanged base first): chr11-2166734-GC-G. GRCh37 (hg19) VCF-style: chr11-2187964-GC-G.
Other names: c.887del, p.Gly296fs (NM_001440535.1); c.968del, p.Gly323fs (NM_199292.3); c.956del, p.Gly319fs (NM_199293.3); c.696-186del (NM_001440537.1); c.708-186del (NM_001440536.1); short protein forms G292fs, G296fs, G319fs, G323fs.
Identifiers: ClinVar variation 5012837 (VCV005012837.1).
Genomic context (GRCh38, chr11:2,166,734, plus strand): 5'-CTGGGTGCACTGGAACACGCGGAAGGCCAGGCTGGCCAGGAAGTCCCGGGCGGACAGCAG[GC>G]CGGCCACAGGCCGCAGCTGGAAGCCCGTGCGCTCTGCAAGGGGCCACGCGGGTCACTGCC-3'